The following is an entry in ClinVar:

ClinVar aggregate classification (germline): Conflicting classifications of pathogenicity. Review status: criteria provided, conflicting classifications (1 of 4 stars). 2 submissions from 2 submitters: Uncertain significance (1); Likely benign (1). Last evaluated 2025-03-07.

Conditions:
Pure or complex autosomal recessive spastic paraplegia. Identifiers: Orphanet 320346, MedGen C5679887, MONDO:0017915.

Allele frequency attached by ClinVar (database versions not stated): 1000 Genomes Project 30x 0.00016; 1000 Genomes Project 0.00020; ESP Exome Variant Server 0.00038; TOPMed 0.00020; ExAC 0.00012; gnomAD 0.00019.
gnomAD v4.1: 87 of 1,614,206 alleles (0.0054%); highest among the groups gnomAD compares: African/African-American, 0.095%; 1 homozygote.

Submissions (2):

Labcorp Genetics (formerly Invitae), Labcorp
Classification: Uncertain significance for Pure or complex autosomal recessive spastic paraplegia. Last evaluated: 2025-03-07. Review status: criteria provided, single submitter. Criteria: Invitae Variant Classification Sherloc (09022015). Collection method: clinical testing. Allele origin: germline.
Comment: This sequence change replaces methionine, which is neutral and non-polar, with valine, which is neutral and non-polar, at codon 466 of the ZFR protein (p.Met466Val). This variant is present in population databases (rs140428713, gnomAD 0.09%), and has an allele count higher than expected for a pathogenic variant. This variant has not been reported in the literature in individuals affected with ZFR-related conditions. ClinVar contains an entry for this variant (Variation ID: 3193308). An algorithm developed to predict the effect of missense changes on protein structure and function outputs the following: PolyPhen-2: "Not Available". The valine amino acid residue is found in multiple mammalian species, which suggests that this missense change does not adversely affect protein function. In summary, the available evidence is currently insufficient to determine the role of this variant in disease. Therefore, it has been classified as a Variant of Uncertain Significance.

Ambry Genetics
Classification: Likely benign. Last evaluated: 2023-09-29. Review status: criteria provided, single submitter. Criteria: Ambry Variant Classification Scheme 2023. Collection method: clinical testing. Allele origin: germline.

NM_016107.5(ZFR):c.1396A>G (p.Met466Val)

Gene: ZFR (zinc finger RNA binding protein; minus strand). Cytogenetic location: 5p13.3.
Variant type: single nucleotide variant.
Coding change: c.1396A>G on transcript NM_016107.5 (MANE Select); coding-DNA position 1396, A replaced by G.
Protein change: p.Met466Val; replaces methionine 466 with valine.
Molecular consequence: missense variant. On other transcripts: non-coding transcript variant (1).
Genome position (GRCh38, 1-based): chr5:32,403,226, T>C on the plus strand (A>G on the coding strand, the complement: ZFR is on the minus strand). VCF-style: chr5-32403226-T-C. GRCh37 (hg19) VCF-style: chr5-32403331-T-C.
Other names: short protein forms M466V.
Identifiers: ClinVar variation 3193308 (VCV003193308.3), dbSNP rs140428713, ClinGen allele CA3221839.